The following is an entry in ClinVar:

NM_000512.5(GALNS):c.275C>T (p.Pro92Leu)

Gene: GALNS (galactosamine (N-acetyl)-6-sulfatase; minus strand). Cytogenetic location: 16q24.3.
Variant type: single nucleotide variant.
Coding change: c.275C>T on transcript NM_000512.5 (MANE Select); coding-DNA position 275, C replaced by T.
Protein change: p.Pro92Leu; replaces proline 92 with leucine.
Molecular consequence: missense variant. On other transcripts: 5 prime UTR variant (1).
Genome position (GRCh38, 1-based): chr16:88,841,941, G>A on the plus strand (C>T on the coding strand, the complement: GALNS is on the minus strand). VCF-style: chr16-88841941-G-A. GRCh37 (hg19) VCF-style: chr16-88908349-G-A.
Other names: c.-281C>T (NM_001323543.2); c.293C>T, p.Pro98Leu (NM_001323544.2); short protein forms P92L, P98L.
Identifiers: ClinVar variation 3391329 (VCV003391329.1).

ClinVar aggregate classification (germline): Uncertain significance (1 of 4 stars; one submission).

Conditions:
Mucopolysaccharidosis, MPS-IV-A (MPS4A). Also called: Morquio syndrome A, mild; MORQUIO SYNDROME A; GALACTOSAMINE-6-SULFATASE DEFICIENCY; GALNS DEFICIENCY; MORQUIO A DISEASE; MPS IVA. Identifiers: Orphanet 309297, Orphanet 582, MedGen C0086651, MONDO:0009659, OMIM 253000.

Submission:

Neuberg Centre For Genomic Medicine, NCGM
Classification: Uncertain significance for Mucopolysaccharidosis, MPS-IV-A. Last evaluated: 2023-07-22. Review status: criteria provided, single submitter. Criteria: ACMG Guidelines, 2015. Collection method: clinical testing. Allele origin: germline. Inheritance: Autosomal recessive inheritance. Affected: yes.
Comment: The missense variant c.275C>T p.Pro92Leu in GALNS gene has not been reported previously as a pathogenic variant nor as a benign variant, to our knowledge. The observed variant is absent in gnomAD exomes database. This variant has not been submitted to the ClinVar database. Multiple lines of computational evidence Polyphen - probably damaging, SIFT - damaging and MutationTaster - disease causing predict a damaging effect on protein structure and function for this variant. The amino acid change p.Pro92Leu in GALNS is predicted as conserved by GERP++ and PhyloP across 100 vertebrates. The amino acid Pro at position 92 is changed to a Leu changing protein sequence and it might alter its composition and physico-chemical properties. For these reasons, this variant has been classified as Uncertain Significance VUS.